The following is an entry in ClinVar:

NM_033380.3(COL4A5):c.220C>T (p.Arg74Trp)

Gene: COL4A5 (collagen type IV alpha 5 chain; plus strand). Cytogenetic location: Xq22.3.
Variant type: single nucleotide variant.
Coding change: c.220C>T on transcript NM_033380.3 (MANE Select); coding-DNA position 220, C replaced by T.
Protein change: p.Arg74Trp; replaces arginine 74 with tryptophan.
Molecular consequence: missense variant.
Genome position (GRCh38, 1-based): chrX:108,559,142, C>T. VCF-style: chrX-108559142-C-T. GRCh37 (hg19) VCF-style: chrX-107802372-C-T.
Other names: c.220C>T, p.Arg74Trp (NM_000495.5); short protein forms R74W.
Identifiers: ClinVar variation 1297658 (VCV001297658.6), dbSNP rs1052281498, ClinGen allele CA334177344.
Genomic context (GRCh38, chrX:108,559,142, plus strand): 5'-GGTTTGGAAGGACACCCAGGATTGCCTGGATTTCCAGGTCCAGAAGGGCCTCCGGGGCCT[C>T]GGGGACAAAAGGTATGTATCATGTTGCCAACCAGTAATGCCAGATGAATTAAGTCATCTT-3'
Protein context (NP_203699.1, residues 64-84): FPGPEGPPGP[Arg74Trp]GQKGDDGIPG

ClinVar aggregate classification (germline): Uncertain significance. Review status: criteria provided, multiple submitters, no conflicts (2 of 4 stars). 4 submissions from 4 submitters: Uncertain significance (2). 2 of the submissions do not count toward it. Last evaluated 2025-06-12.

Allele frequency attached by ClinVar (database versions not stated): gnomAD exomes 0.00001; TOPMed 0.00003.
gnomAD v4.1: 8 of 1,206,072 alleles (0.00066%); highest among the groups gnomAD compares: Non-Finnish European, 0.00067%; no homozygotes.

Submissions (4):

Labcorp Genetics (formerly Invitae), Labcorp
Classification: Uncertain significance. Last evaluated: 2025-06-12. Review status: criteria provided, single submitter. Criteria: Invitae Variant Classification Sherloc (09022015). Collection method: clinical testing. Allele origin: germline.
Comment: This sequence change replaces arginine, which is basic and polar, with tryptophan, which is neutral and slightly polar, at codon 74 of the COL4A5 protein (p.Arg74Trp). This variant is present in population databases (no rsID available, gnomAD 0.006%). This variant has not been reported in the literature in individuals affected with COL4A5-related conditions. ClinVar contains an entry for this variant (Variation ID: 1297658). Invitae Evidence Modeling of protein sequence and biophysical properties (such as structural, functional, and spatial information, amino acid conservation, physicochemical variation, residue mobility, and thermodynamic stability) indicates that this missense variant is not expected to disrupt COL4A5 protein function with a negative predictive value of 95%. In summary, the available evidence is currently insufficient to determine the role of this variant in disease. Therefore, it has been classified as a Variant of Uncertain Significance.

Blueprint Genetics
Classification: Uncertain significance. Last evaluated: 2023-04-14. Review status: criteria provided, single submitter. Criteria: ACMG Guidelines, 2015. Collection method: clinical testing. Allele origin: germline.

Clinical Genetics DNA and cytogenetics Diagnostics Lab, Erasmus MC, Erasmus Medical Center
Classification: Likely benign. Review status: no assertion criteria provided. Collection method: clinical testing. Allele origin: germline. Affected: yes. Study: VKGL Data-share Consensus. Not counted in ClinVar's aggregate classification.

Joint Genome Diagnostic Labs from Nijmegen and Maastricht, Radboudumc and MUMC+
Classification: Likely benign. Review status: no assertion criteria provided. Collection method: clinical testing. Allele origin: germline. Affected: yes. Study: VKGL Data-share Consensus. Not counted in ClinVar's aggregate classification.